The following is an entry in ClinVar:

NM_000525.4(KCNJ11):c.1009G>A (p.Val337Ile)

Gene: KCNJ11 (potassium inwardly rectifying channel subfamily J member 11; minus strand). Cytogenetic location: 11p15.1.
Variant type: single nucleotide variant.
Coding change: c.1009G>A on transcript NM_000525.4 (MANE Select); coding-DNA position 1009, G replaced by A.
Protein change: p.Val337Ile; replaces valine 337 with isoleucine.
Molecular consequence: missense variant.
Genome position (GRCh38, 1-based): chr11:17,387,083, C>T on the plus strand (G>A on the coding strand, the complement: KCNJ11 is on the minus strand). VCF-style: chr11-17387083-C-T. GRCh37 (hg19) VCF-style: chr11-17408630-C-T.
Other names: c.748G>A, p.Val250Ile (NM_001166290.2, NM_001377296.1, NM_001377297.1); short protein forms V337I, V250I.
Identifiers: ClinVar variation 158670 (VCV000158670.33), dbSNP rs5215, ClinGen allele CA172316.
Genomic context (GRCh38, chr11:17,387,083, plus strand): 5'-CCAGTAGGCTGTGGTCCTCATCAAGCTGGCGGGCCGTGCAGAGTGGTGTGGGCACTTTGA[C>T]GGTGTTGCCAAACTTGGAGTAGTCCACAGAGTAACGTCCGTCCTCCTCAGCTACAATGGG-3'
Protein context (NP_000516.3, residues 327-347): SVDYSKFGNT[Val337Ile]KVPTPLCTAR

ClinVar aggregate classification (germline): Benign/Likely benign. Review status: criteria provided, multiple submitters, no conflicts (2 of 4 stars). 18 submissions from 14 submitters: Benign (10); Likely benign (4). 4 of the submissions do not count toward it. Last evaluated 2026-02-04.

Conditions:
Diabetes mellitus, permanent neonatal 2. Also called: KCNJ11-Related Permanent Neonatal Diabetes Mellitus. Identifiers: MedGen C5394296, MONDO:0030087, OMIM 618856.
Diabetes mellitus, transient neonatal, 3 (TNDM3). Identifiers: Orphanet 99886, MedGen C1864623, MONDO:0012522, OMIM 610582. Disease mechanism: loss of function.
Permanent neonatal diabetes mellitus (PNDM). Identifiers: Orphanet 99885, MedGen C1833104, MONDO:0100164, MONDO:0011643. Disease mechanism: gain of function.
Hyperinsulinemic hypoglycemia, familial, 2. Also called: HYPERINSULINEMIC HYPOGLYCEMIA, PERSISTENT; HYPERINSULINISM, NEONATAL. Identifiers: Orphanet 276580, Orphanet 276603, MedGen C2931833, MONDO:0011153, OMIM 601820. Disease mechanism: loss of function.
Type 2 diabetes mellitus. Also called: Type II diabetes mellitus. Identifiers: MedGen C0011860, MeSH D003924, MONDO:0005148, OMIM 125853, HP:0005978.
Maturity-onset diabetes of the young type 13. Also called: MODY, TYPE 13. Identifiers: Orphanet 552, MedGen C4225365, MONDO:0014589, OMIM 616329.

Allele frequency attached by ClinVar (database versions not stated): gnomAD exomes 0.63831 and 0.64091; ExAC 0.64484; gnomAD 0.70936 and 0.71351; TOPMed 0.72231; 1000 Genomes Project 0.73063; ESP Exome Variant Server 0.73202; 1000 Genomes Project 30x 0.73282.

Submissions (18):

Labcorp Genetics (formerly Invitae), Labcorp
Classification: Benign. Last evaluated: 2026-02-04. Review status: criteria provided, single submitter. Criteria: Invitae Variant Classification Sherloc (09022015). Collection method: clinical testing. Allele origin: germline.

Mayo Clinic Laboratories, Mayo Clinic
Classification: Benign. Last evaluated: 2025-04-14. Review status: criteria provided, single submitter. Criteria: ACMG Guidelines, 2015. Collection method: clinical testing. Allele origin: germline. Observed: 1 variant allele.
Comment: BA1, BP4

Blueprint Genetics
Classification: Benign. Last evaluated: 2024-11-27. Review status: criteria provided, single submitter. Criteria: ACMG Guidelines, 2015. Collection method: clinical testing. Allele origin: germline.

Pars Genome Lab
Classification: Benign for Diabetes mellitus, transient neonatal, 3. Last evaluated: 2021-07-01. Review status: criteria provided, single submitter. Criteria: ACMG Guidelines, 2015. Collection method: clinical testing. Allele origin: germline. Affected: no.

Pars Genome Lab
Classification: Benign for Diabetes mellitus, permanent neonatal 2. Last evaluated: 2021-07-01. Review status: criteria provided, single submitter. Criteria: ACMG Guidelines, 2015. Collection method: clinical testing. Allele origin: germline. Affected: no.

Pars Genome Lab
Classification: Benign for Hyperinsulinemic hypoglycemia, familial, 2. Last evaluated: 2021-07-01. Review status: criteria provided, single submitter. Criteria: ACMG Guidelines, 2015. Collection method: clinical testing. Allele origin: germline. Affected: no.

Athena Diagnostics
Classification: Benign. Last evaluated: 2021-06-02. Review status: criteria provided, single submitter. Criteria: Athena Diagnostics criteria. Collection method: clinical testing. Allele origin: unknown.

GeneDx
Classification: Benign. Last evaluated: 2018-09-10. Review status: criteria provided, single submitter. Criteria: GeneDx Variant Classification Process June 2021. Collection method: clinical testing. Allele origin: germline. Affected: yes.
Comment: This variant is associated with the following publications: (PMID: 31118516, 30389748, 26551672, 27398621, 17257281, 22958899)

Illumina Laboratory Services, Illumina
Classification: Likely benign for Maturity-onset diabetes of the young type 13. Last evaluated: 2017-04-27. Review status: criteria provided, single submitter. Criteria: ICSL Variant Classification Criteria 13 December 2019. Collection method: clinical testing. Allele origin: germline.
Comment: This variant was observed as part of a predisposition screen in an ostensibly healthy population. A literature search was performed for the gene, cDNA change, and amino acid change (where applicable). No publications were found based on this search. Allele frequency data from public databases allowed determination this variant is unlikely to cause disease. Therefore, this variant is classified as likely benign.

Illumina Laboratory Services, Illumina
Classification: Likely benign for Diabetes mellitus, transient neonatal, 3. Last evaluated: 2017-04-27. Review status: criteria provided, single submitter. Criteria: ICSL Variant Classification Criteria 13 December 2019. Collection method: clinical testing. Allele origin: germline.
Comment: the same text as in the submission from Illumina Laboratory Services, Illumina above.

Illumina Laboratory Services, Illumina
Classification: Likely benign for Hyperinsulinemic hypoglycemia, familial, 2. Last evaluated: 2017-04-27. Review status: criteria provided, single submitter. Criteria: ICSL Variant Classification Criteria 13 December 2019. Collection method: clinical testing. Allele origin: germline.
Comment: the same text as in the submission from Illumina Laboratory Services, Illumina above.

Genetic Services Laboratory, University of Chicago
Classification: Benign. Last evaluated: 2013-02-08. Review status: criteria provided, single submitter. Criteria: ACMG Guidelines, 2007. Collection method: clinical testing. Allele origin: germline. Inheritance: Autosomal unknown.

Breakthrough Genomics
Classification: Likely benign. Review status: criteria provided, single submitter. Criteria: ACMG Guidelines, 2015. Collection method: not provided. Allele origin: germline. Inheritance: Autosomal recessive inheritance. Affected: yes.

PreventionGenetics, part of Exact Sciences
Classification: Benign. Review status: criteria provided, single submitter. Criteria: ACMG Guidelines, 2015. Collection method: clinical testing. Allele origin: germline.

Natera, Inc.
Classification: Benign for Permanent neonatal diabetes mellitus. Last evaluated: 2020-09-16. Review status: no assertion criteria provided. Collection method: clinical testing. Allele origin: germline. Not counted in ClinVar's aggregate classification.

Clinical Genomics, Uppaluri K&H Personalized Medicine Clinic
Classification: association for Type 2 diabetes mellitus. Review status: no assertion criteria provided. Collection method: research. Allele origin: somatic. Inheritance: Autosomal dominant inheritance. Affected: yes. Not counted in ClinVar's aggregate classification.
Comment: Mutations can cause decreased production of insulin and secretion. This can lead to MODY which is responsive to oral sulfonylureas.

Diagnostic Laboratory, Department of Genetics, University Medical Center Groningen
Classification: Benign. Review status: no assertion criteria provided. Collection method: clinical testing. Allele origin: germline. Affected: yes. Study: VKGL Data-share Consensus. Not counted in ClinVar's aggregate classification.

Joint Genome Diagnostic Labs from Nijmegen and Maastricht, Radboudumc and MUMC+
Classification: Benign. Review status: no assertion criteria provided. Collection method: clinical testing. Allele origin: germline. Affected: yes. Study: VKGL Data-share Consensus. Not counted in ClinVar's aggregate classification.

Literature cited by the submitters: PubMed 17257281 (cited by Athena Diagnostics); PubMed 22958899 (cited by Athena Diagnostics); PubMed 11872696 (cited by Athena Diagnostics); PubMed 12475776 (cited by Athena Diagnostics); PubMed 15855351 (cited by Athena Diagnostics); PubMed 33853507 (cited by Clinical Genomics, Uppaluri K&H Personalized Medicine Clinic).